The following is an entry in ClinVar:

NM_181703.4(GJA5):c.170T>G (p.Ile57Ser)

Gene: GJA5 (gap junction protein alpha 5; minus strand). Cytogenetic location: 1q21.2.
Variant type: single nucleotide variant.
Coding change: c.170T>G on transcript NM_181703.4 (MANE Select); coding-DNA position 170, T replaced by G.
Protein change: p.Ile57Ser; replaces isoleucine 57 with serine.
Molecular consequence: missense variant.
Genome position (GRCh38, 1-based): chr1:147,759,069, A>C on the plus strand (T>G on the coding strand, the complement: GJA5 is on the minus strand). VCF-style: chr1-147759069-A-C. GRCh37 (hg19) VCF-style: chr1-147231177-A-C.
Other names: c.170T>G (NM_005266.5); c.170T>G, p.Ile57Ser (NM_005266.7); short protein forms I57S.
Identifiers: ClinVar variation 1062702 (VCV001062702.8), dbSNP rs1553227077, ClinGen allele CA342397979.

ClinVar aggregate classification (germline): Uncertain significance. Review status: criteria provided, multiple submitters, no conflicts (2 of 4 stars). 2 submissions from 2 submitters: Uncertain significance (2). Last evaluated 2025-06-07.

Conditions:
Atrial standstill 1 (ATRST1). Also called: Atrial standstill, digenic (GJA5/SCN5A); ATRIAL CARDIOMYOPATHY WITH HEART BLOCK; CARDIOMYOPATHY, FAMILIAL, WITH CONDUCTION DISTURBANCE. Identifiers: Orphanet 1344, MedGen C4551959, MONDO:0007171, OMIM 108770.
Atrial fibrillation, familial, 11 (ATFB11). Identifiers: MedGen C3279693, MONDO:0013544, OMIM 614049.

Allele frequency attached by ClinVar (database versions not stated): TOPMed below 0.00001; gnomAD 0.00001; gnomAD exomes 0.00001.
gnomAD v4.1: 8 of 1,613,212 alleles (0.0005%); highest among the groups gnomAD compares: Non-Finnish European, 0.00068%; no homozygotes.

Submissions (2):

Labcorp Genetics (formerly Invitae), Labcorp
Classification: Uncertain significance for Atrial fibrillation, familial, 11; Atrial standstill 1. Last evaluated: 2025-06-07. Review status: criteria provided, single submitter. Criteria: Invitae Variant Classification Sherloc (09022015). Collection method: clinical testing. Allele origin: germline.
Comment: This sequence change replaces isoleucine, which is neutral and non-polar, with serine, which is neutral and polar, at codon 57 of the GJA5 protein (p.Ile57Ser). This variant is present in population databases (no rsID available, gnomAD 0.007%). This variant has not been reported in the literature in individuals affected with GJA5-related conditions. ClinVar contains an entry for this variant (Variation ID: 1062702). Invitae Evidence Modeling of protein sequence and biophysical properties (such as structural, functional, and spatial information, amino acid conservation, physicochemical variation, residue mobility, and thermodynamic stability) indicates that this missense variant is not expected to disrupt GJA5 protein function with a negative predictive value of 80%. In summary, the available evidence is currently insufficient to determine the role of this variant in disease. Therefore, it has been classified as a Variant of Uncertain Significance.

GeneDx
Classification: Uncertain significance. Last evaluated: 2022-10-05. Review status: criteria provided, single submitter. Criteria: GeneDx Variant Classification Process June 2021. Collection method: clinical testing. Allele origin: germline. Affected: yes.
Comment: Has not been previously published as pathogenic or benign to our knowledge; Not observed at significant frequency in large population cohorts (gnomAD); In silico analysis supports that this missense variant does not alter protein structure/function